The following is an entry in ClinVar:

NM_147127.5(EVC2):c.1457G>A (p.Arg486His)

Genes: EVC2 (EvC ciliary complex subunit 2; minus strand), LOC126806961 (BRD4-independent group 4 enhancer GRCh37_chr4:5641443-5642642; plus strand). Cytogenetic location: 4p16.2.
Variant type: single nucleotide variant.
Coding change: c.1457G>A on transcript NM_147127.5 (MANE Select); coding-DNA position 1457, G replaced by A.
Protein change: p.Arg486His; replaces arginine 486 with histidine.
Molecular consequence: missense variant.
Genome position (GRCh38, 1-based): chr4:5,640,527, C>T on the plus strand (G>A on the coding strand, the complement: EVC2 is on the minus strand). VCF-style: chr4-5640527-C-T. GRCh37 (hg19) VCF-style: chr4-5642254-C-T.
Other names: c.1217G>A, p.Arg406His (NM_001166136.2); short protein forms R406H, R486H.
Identifiers: ClinVar variation 3753258 (VCV003753258.2).

ClinVar aggregate classification (germline): Uncertain significance (1 of 4 stars; one submission).

Conditions:
Curry-Hall syndrome (WAD). Also called: WEYERS ACRODENTAL DYSOSTOSIS. Identifiers: Orphanet 952, MedGen C0457013, MONDO:0008673, OMIM 193530.
Ellis-van Creveld syndrome (EVC). Also called: EVC-Related Ellis-van Creveld Syndrome; EVC2-Related Ellis-van Creveld Syndrome; MESOECTODERMAL DYSPLASIA; Chondroectodermal dysplasia. Identifiers: Orphanet 289, MedGen C0013903, MONDO:0009162, OMIM 225500.

gnomAD v4.1: 45 of 1,614,110 alleles (0.0028%); highest among the groups gnomAD compares: Non-Finnish European, 0.0032%; no homozygotes.

Submission:

Labcorp Genetics (formerly Invitae), Labcorp
Classification: Uncertain significance for Curry-Hall syndrome; Ellis-van Creveld syndrome. Last evaluated: 2024-07-17. Review status: criteria provided, single submitter. Criteria: Invitae Variant Classification Sherloc (09022015). Collection method: clinical testing. Allele origin: germline.
Comment: This sequence change replaces arginine, which is basic and polar, with histidine, which is basic and polar, at codon 486 of the EVC2 protein (p.Arg486His). This variant is present in population databases (rs150329661, gnomAD 0.004%). This variant has not been reported in the literature in individuals affected with EVC2-related conditions. An algorithm developed to predict the effect of missense changes on protein structure and function outputs the following: PolyPhen-2: "Benign". The histidine amino acid residue is found in multiple mammalian species, which suggests that this missense change does not adversely affect protein function. In summary, the available evidence is currently insufficient to determine the role of this variant in disease. Therefore, it has been classified as a Variant of Uncertain Significance.